The following is an entry in ClinVar:

ClinVar aggregate classification (germline): Uncertain significance. Review status: criteria provided, multiple submitters, no conflicts (2 of 4 stars). 3 submissions from 3 submitters: Uncertain significance (3). Last evaluated 2024-05-31.

Conditions:
Congenital muscular dystrophy due to integrin alpha-7 deficiency. Also called: Muscular dystrophy, congenital, due to ITGA7 deficiency; MYOPATHY, CONGENITAL, DUE TO INTEGRIN ALPHA-7 DEFICIENCY; Congenital muscular dystrophy with integrin alpha-7 deficiency. Identifiers: Orphanet 34520, MedGen C2750786, MONDO:0013177, OMIM 613204.

Allele frequency attached by ClinVar (database versions not stated): gnomAD 0.00001; gnomAD exomes 0.00001 and 0.00005; TOPMed 0.00002; ExAC 0.00006.
gnomAD v4.1: 13 of 1,614,020 alleles (0.00081%); highest among the groups gnomAD compares: East Asian, 0.029%; no homozygotes.

Submissions (3):

Labcorp Genetics (formerly Invitae), Labcorp
Classification: Uncertain significance for Congenital muscular dystrophy due to integrin alpha-7 deficiency. Last evaluated: 2024-05-31. Review status: criteria provided, single submitter. Criteria: Invitae Variant Classification Sherloc (09022015). Collection method: clinical testing. Allele origin: germline.
Comment: This sequence change replaces cysteine, which is neutral and slightly polar, with serine, which is neutral and polar, at codon 103 of the ITGA7 protein (p.Cys103Ser). This variant is present in population databases (rs779677072, gnomAD 0.07%). This variant has not been reported in the literature in individuals affected with ITGA7-related conditions. ClinVar contains an entry for this variant (Variation ID: 936615). Advanced modeling of protein sequence and biophysical properties (such as structural, functional, and spatial information, amino acid conservation, physicochemical variation, residue mobility, and thermodynamic stability) performed at Invitae indicates that this missense variant is expected to disrupt ITGA7 protein function with a positive predictive value of 80%. In summary, the available evidence is currently insufficient to determine the role of this variant in disease. Therefore, it has been classified as a Variant of Uncertain Significance.

Ambry Genetics
Classification: Uncertain significance. Last evaluated: 2024-05-07. Review status: criteria provided, single submitter. Criteria: Ambry Variant Classification Scheme 2023. Collection method: clinical testing. Allele origin: germline.

Fulgent Genetics
Classification: Uncertain significance for Congenital muscular dystrophy due to integrin alpha-7 deficiency. Last evaluated: 2022-05-06. Review status: criteria provided, single submitter. Criteria: ACMG Guidelines, 2015. Collection method: clinical testing. Allele origin: unknown.

NM_002206.3(ITGA7):c.307T>A (p.Cys103Ser)

Gene: ITGA7 (integrin subunit alpha 7; minus strand). Cytogenetic location: 12q13.2.
Variant type: single nucleotide variant.
Coding change: c.307T>A on transcript NM_002206.3 (MANE Select); coding-DNA position 307, T replaced by A.
Protein change: p.Cys103Ser; replaces cysteine 103 with serine.
Molecular consequence: missense variant. On other transcripts: 5 prime UTR variant (3), intron variant (1).
Genome position (GRCh38, 1-based): chr12:55,703,078, A>T on the plus strand (T>A on the coding strand, the complement: ITGA7 is on the minus strand). VCF-style: chr12-55703078-A-T. GRCh37 (hg19) VCF-style: chr12-56096862-A-T.
Other names: c.307T>A, p.Cys103Ser (NM_001144996.2, NM_001374465.1, NM_001414030.1 and 6 more transcripts); c.-33T>A (NM_001367993.1, NM_001414035.1); c.-866T>A (NM_001367994.1); c.86-1662T>A (NM_001144997.2); short protein forms C103S.
Identifiers: ClinVar variation 936615 (VCV000936615.11), dbSNP rs779677072, ClinGen allele CA6616398.